The following is an entry in ClinVar:

NM_152564.5(VPS13B):c.6047-6C>T

Gene: VPS13B (vacuolar protein sorting 13 homolog B; plus strand). Cytogenetic location: 8q22.2.
Variant type: single nucleotide variant.
Coding change: c.6047-6C>T on transcript NM_152564.5 (MANE Select); 6 bases into the intron before coding-DNA position 6047, C replaced by T.
Molecular consequence: intron variant.
Genome position (GRCh38, 1-based): chr8:99,699,519, C>T. VCF-style: chr8-99699519-C-T. GRCh37 (hg19) VCF-style: chr8-100711747-C-T.
Other names: c.6047-6C>T (NM_152564.4); c.6122-6C>T (NM_017890.5).
Identifiers: ClinVar variation 1146843 (VCV001146843.10), dbSNP rs1386160206, ClinGen allele CA583878385.

ClinVar aggregate classification (germline): Likely benign. Review status: criteria provided, single submitter (1 of 4 stars). 2 submissions from 2 submitters: Likely benign (1). 1 of the submissions does not count toward it. Last evaluated 2023-01-31.

Conditions:
Cohen syndrome (COH1). Also called: PEPPER SYNDROME; Cutis verticis gyrata, retinitis pigmentosa, and sensorineural deafness. Identifiers: Orphanet 193, MedGen C0265223, MONDO:0008999, OMIM 216550.
VPS13B-related disorder. Also called: VPS13B-related condition.

Allele frequency attached by ClinVar (database versions not stated): TOPMed below 0.00001; gnomAD 0.00001.
gnomAD v4.1: 1 of 1,612,868 alleles (0.000062%); highest among the groups gnomAD compares: African/African-American, 0.0013%; no homozygotes.

Submissions (2):

Labcorp Genetics (formerly Invitae), Labcorp
Classification: Likely benign for Cohen syndrome. Last evaluated: 2023-01-31. Review status: criteria provided, single submitter. Criteria: Invitae Variant Classification Sherloc (09022015). Collection method: clinical testing. Allele origin: germline.

PreventionGenetics, part of Exact Sciences
Classification: Likely benign for VPS13B-related condition. Last evaluated: 2021-09-08. Review status: no assertion criteria provided. Collection method: clinical testing. Allele origin: germline. Not counted in ClinVar's aggregate classification.
Comment: This variant is classified as likely benign based on ACMG/AMP sequence variant interpretation guidelines (Richards et al. 2015 PMID: 25741868, with internal and published modifications).